The following is an entry in ClinVar:

ClinVar aggregate classification (germline): Uncertain significance (1 of 4 stars; one submission).

Conditions:
Hajdu-Cheney syndrome (HJCYS). Also called: Acroosteolysis dominant type; ACROOSTEOLYSIS WITH OSTEOPOROSIS AND CHANGES IN SKULL AND MANDIBLE; SERPENTINE FIBULA-POLYCYSTIC KIDNEY SYNDROME. Identifiers: Orphanet 955, MedGen C0917715, MONDO:0007057, OMIM 102500.

Submission:

Labcorp Genetics (formerly Invitae), Labcorp
Classification: Uncertain significance for Hajdu-Cheney syndrome. Last evaluated: 2025-03-07. Review status: criteria provided, single submitter. Criteria: Invitae Variant Classification Sherloc (09022015). Collection method: clinical testing. Allele origin: germline.
Comment: This sequence change replaces isoleucine, which is neutral and non-polar, with leucine, which is neutral and non-polar, at codon 1689 of the NOTCH2 protein (p.Ile1689Leu). This variant is not present in population databases (gnomAD no frequency). This variant has not been reported in the literature in individuals affected with NOTCH2-related conditions. Invitae Evidence Modeling of protein sequence and biophysical properties (such as structural, functional, and spatial information, amino acid conservation, physicochemical variation, residue mobility, and thermodynamic stability) indicates that this missense variant is not expected to disrupt NOTCH2 protein function with a negative predictive value of 80%. In summary, the available evidence is currently insufficient to determine the role of this variant in disease. Therefore, it has been classified as a Variant of Uncertain Significance.

NM_024408.4(NOTCH2):c.5065A>C (p.Ile1689Leu)

Gene: NOTCH2 (notch receptor 2; minus strand). Cytogenetic location: 1p12.
Variant type: single nucleotide variant.
Coding change: c.5065A>C on transcript NM_024408.4 (MANE Select); coding-DNA position 5065, A replaced by C.
Protein change: p.Ile1689Leu; replaces isoleucine 1689 with leucine.
Molecular consequence: missense variant.
Genome position (GRCh38, 1-based): chr1:119,922,384, T>G on the plus strand (A>C on the coding strand, the complement: NOTCH2 is on the minus strand). VCF-style: chr1-119922384-T-G. GRCh37 (hg19) VCF-style: chr1-120465007-T-G.
Other names: short protein forms I1689L.
Identifiers: ClinVar variation 4741254 (VCV004741254.1).